The following is an entry in ClinVar:

NM_174936.4(PCSK9):c.308C>A (p.Ala103Asp)

Gene: PCSK9 (proprotein convertase subtilisin/kexin type 9; plus strand). Cytogenetic location: 1p32.3.
Variant type: single nucleotide variant.
Coding change: c.308C>A on transcript NM_174936.4 (MANE Select); coding-DNA position 308, C replaced by A.
Protein change: p.Ala103Asp; replaces alanine 103 with aspartic acid.
Molecular consequence: missense variant. On other transcripts: 5 prime UTR variant (1), non-coding transcript variant (6), intron variant (1).
Genome position (GRCh38, 1-based): chr1:55,043,943, C>A. VCF-style: chr1-55043943-C-A. GRCh37 (hg19) VCF-style: chr1-55509616-C-A.
Other names: c.431C>A, p.Ala144Asp (NM_001407240.1); c.308C>A, p.Ala103Asp (NM_001407241.1, NM_001407242.1, NM_001407243.1 and 2 more transcripts); c.-68C>A (NM_001407246.1); c.208-2580C>A (NM_001407245.1); short protein forms A103D, A144D.
Identifiers: ClinVar variation 4533169 (VCV004533169.1).

ClinVar aggregate classification (germline): Uncertain significance (1 of 4 stars; one submission).

Submission:

Quest Diagnostics Nichols Institute San Juan Capistrano
Classification: Uncertain significance. Last evaluated: 2025-09-01. Review status: criteria provided, single submitter. Criteria: Quest Diagnostics criteria. Collection method: clinical testing. Allele origin: unknown.
Comment: The PCSK9 c.308C>A (p.Ala103Asp) variant has not been reported in individuals with PCSK9-related conditions in the published literature. This variant also has not been reported in large, multi-ethnic general populations (Genome Aggregation Database). Analysis of this variant using bioinformatics tools for the prediction of the effect of amino acid changes on protein structure and function yielded predictions that this variant is damaging. Based on the available information, we are unable to determine the clinical significance of this variant.